The following is an entry in ClinVar:

ClinVar aggregate classification (germline): Benign. Review status: criteria provided, multiple submitters, no conflicts (2 of 4 stars). 2 submissions from 2 submitters: Benign (2). Last evaluated 2018-06-14.

Allele frequency attached by ClinVar (database versions not stated): 1000 Genomes Project 30x 0.30762; TOPMed 0.34692; gnomAD 0.34880 and 0.35321; gnomAD exomes 0.37074; 1000 Genomes Project 0.30691.
gnomAD v4.1: 533,311 of 1,445,964 alleles (37%); highest among the groups gnomAD compares: Middle Eastern, 40%; 98,978 homozygotes.

Submissions (3):

GeneDx
Classification: Benign. Last evaluated: 2018-06-14. Review status: criteria provided, single submitter. Criteria: GeneDx Variant Classification (06012015). Collection method: clinical testing. Allele origin: germline. Affected: yes.
Comment: This variant is considered likely benign or benign based on one or more of the following criteria: it is a conservative change, it occurs at a poorly conserved position in the protein, it is predicted to be benign by multiple in silico algorithms, and/or has population frequency not consistent with disease.

Breakthrough Genomics
Classification: Benign. Review status: criteria provided, single submitter. Criteria: ACMG Guidelines, 2015. Collection method: not provided. Allele origin: germline. Inheritance: Autosomal dominant inheritance. Affected: yes.

Dr. Peter K. Rogan Lab, Western University
No classification provided (evidence only). Condition: Uterine carcinosarcoma. Review status: no classification provided. Collection method: in vitro. Allele origin: not applicable. Functional consequence: retained intron. Not counted in ClinVar's aggregate classification.

NM_001083962.2(TCF4):c.1147-69A>G

Gene: TCF4 (transcription factor 4; minus strand). Cytogenetic location: 18q21.2.
Variant type: single nucleotide variant.
Coding change: c.1147-69A>G on transcript NM_001083962.2 (MANE Select); 69 bases into the intron before coding-DNA position 1147, A replaced by G.
Molecular consequence: intron variant.
Genome position (GRCh38, 1-based): chr18:55,254,769, T>C on the plus strand (A>G on the coding strand, the complement: TCF4 is on the minus strand). VCF-style: chr18-55254769-T-C. GRCh37 (hg19) VCF-style: chr18-52922000-T-C.
Other names: NC_000018.9:g.52922000T>C; c.1453-69A>G (NM_001243226.3); c.1072-69A>G (NM_001369584.1, NM_001369576.1, NM_001369577.1 and 6 more transcripts); c.1075-69A>G (NM_001369582.1, NM_001243227.2, NM_001369583.1 and 5 more transcripts); c.1078-69A>G (NM_001369586.1); c.1147-69A>G (NM_001369571.1, NM_001369567.1, NM_001369572.1 and 2 more transcripts); c.1165-69A>G (NM_001243228.2); c.1138-69A>G (NM_001243230.2); and 7 more.
Identifiers: ClinVar variation 670687 (VCV000670687.3), dbSNP rs62092442, ClinGen allele CA14562082.
Genomic context (GRCh38, chr18:55,254,769, plus strand): 5'-TAACAAATGATGTAAAATTTGATTTAGTTCAAAAGGGGTGCCTAAATTATACAAGTAAAA[T>C]TTTAGTCGACAAAAAACACACTGTGTTTCTAAATACATGTTTCCAATAAAATGTATTTCC-3'